The following is an entry in ClinVar:

ClinVar aggregate classification (germline): Pathogenic. Review status: criteria provided, multiple submitters, no conflicts (2 of 4 stars). 5 submissions from 5 submitters: Pathogenic (4). 1 of the submissions does not count toward it. Last evaluated 2023-11-19.

Conditions:
Inborn genetic diseases. Identifiers: MedGen C0950123, MeSH D030342.
Microcephaly 3, primary, autosomal recessive. Identifiers: Orphanet 2512, MedGen C1858108, MONDO:0011488, OMIM 604804.

Allele frequency attached by ClinVar (database versions not stated): gnomAD exomes 0.00003 and 0.00005; TOPMed 0.00004; gnomAD 0.00007; ESP Exome Variant Server 0.00008.

Submissions (5):

Labcorp Genetics (formerly Invitae), Labcorp
Classification: Pathogenic. Last evaluated: 2023-11-19. Review status: criteria provided, single submitter. Criteria: Invitae Variant Classification Sherloc (09022015). Collection method: clinical testing. Allele origin: germline.
Comment: This sequence change creates a premature translational stop signal (p.Val1033Serfs*41) in the CDK5RAP2 gene. It is expected to result in an absent or disrupted protein product. Loss-of-function variants in CDK5RAP2 are known to be pathogenic (PMID: 15793586, 20460369, 26436113). This variant is present in population databases (rs747831095, gnomAD 0.009%). This premature translational stop signal has been observed in individual(s) with CDK5RAP2-related conditions (PMID: 27761245). ClinVar contains an entry for this variant (Variation ID: 209966). For these reasons, this variant has been classified as Pathogenic.

Ambry Genetics
Classification: Pathogenic for Inborn genetic diseases. Last evaluated: 2022-01-31. Review status: criteria provided, single submitter. Criteria: Ambry Variant Classification Scheme 2023. Collection method: clinical testing. Allele origin: germline.
Comment: The c.3097delG (p.V1033Sfs*41) alteration, located in exon 23 (coding exon 23) of the CDK5RAP2 gene, consists of a deletion of one nucleotide at position 3097, causing a translational frameshift with a predicted alternate stop codon after 41 amino acids. This alteration is expected to result in loss of function by premature protein truncation or nonsense-mediated mRNA decay. Based on data from gnomAD, this allele has an overall frequency of <0.01% (12/282696) total alleles studied. The highest observed frequency was 0.01% (12/129012) of European (non-Finnish) alleles. Based on the available evidence, this alteration is classified as pathogenic.

Revvity Omics, Revvity
Classification: Pathogenic for Microcephaly 3, primary, autosomal recessive. Last evaluated: 2019-11-20. Review status: criteria provided, single submitter. Criteria: ACMG Guidelines, 2015. Collection method: clinical testing. Allele origin: germline.

Department of Clinical Genetics, Oxford University Hospitals NHS Trust
Classification: Pathogenic for Primary autosomal recessive microcephaly 3. Last evaluated: 2015-08-06. Review status: criteria provided, single submitter. Criteria: ACMG Guidelines, 2007. Collection method: research. Allele origin: paternal. Affected: yes. Observed: 2 variant alleles. Study: Brain malformations study.

OMIM
Classification: Pathogenic for MICROCEPHALY 3, PRIMARY, AUTOSOMAL RECESSIVE. Last evaluated: 2018-03-07. Review status: no assertion criteria provided. Collection method: literature only. Allele origin: germline. Not counted in ClinVar's aggregate classification.

Literature cited by the submitters: PubMed 15793586 (cited by Labcorp Genetics (formerly Invitae), Labcorp and Department of Clinical Genetics, Oxford University Hospitals NHS Trust); PubMed 20460369 (cited by Labcorp Genetics (formerly Invitae), Labcorp); PubMed 26436113 (cited by Labcorp Genetics (formerly Invitae), Labcorp); PubMed 27761245 (cited by 3 submitters); Pagnamenta, A. T., Howard, M. F., Knight, S. J. L., Keays, D. A., Quaghebeur, G., Taylor, J. C., Kini,, U. Activation of an exonic splice-donor site in exon 30 of CDK5RAP2 in a patient with severe microcephaly and pigmentary abnormalities. Clin. Case Rep. 4: 952-956, 2016. (cited by OMIM).

NM_018249.6(CDK5RAP2):c.3097del (p.Val1033fs)

Gene: CDK5RAP2 (CDK5 regulatory subunit associated protein 2; minus strand). Cytogenetic location: 9q33.2.
Variant type: Deletion.
Coding change: c.3097del on transcript NM_018249.6 (MANE Select); coding-DNA position 3097, one base deleted (G; older notation c.3097delG).
Protein change: p.Val1033fs; shifts the reading frame from valine 1033.
Molecular consequence: frameshift variant. On other transcripts: non-coding transcript variant (5).
Genome position (GRCh38, 1-based): chr9:120,443,671, C deleted on the plus strand (G on the coding strand, the reverse complement: CDK5RAP2 is on the minus strand). VCF-style (leftmost placement, unchanged base first): chr9-120443670-AC-A. GRCh37 (hg19) VCF-style: chr9-123205948-AC-A.
Other names: c.3097del, p.Val1033fs (NM_001011649.3); c.2407del, p.Val803fs (NM_001272039.2); c.3097delG (NM_018249.5, NM_018249.4); short protein forms V1033fs, V803fs.
Identifiers: ClinVar variation 209966 (VCV000209966.11), dbSNP rs747831095, ClinGen allele CA059812.